The following is an entry in ClinVar:

ClinVar aggregate classification (germline): Likely pathogenic. Review status: criteria provided, multiple submitters, no conflicts (2 of 4 stars). 2 submissions from 2 submitters: Likely pathogenic (2). Last evaluated 2025-09-03.

Conditions:
Hereditary cancer-predisposing syndrome. Also called: Neoplastic Syndromes, Hereditary; Tumor predisposition; Hereditary Cancer Syndrome; Hereditary neoplastic syndrome. Identifiers: Orphanet 140162, MedGen C0027672, MeSH D009386, MONDO:0015356.
ATM-related disorder. Also called: ATM-related disorders; ATM-related condition.

gnomAD v4.1: 1 of 1,599,888 alleles (0.000063%); highest among the groups gnomAD compares: Non-Finnish European, 0.000086%; no homozygotes.

Submissions (2):

PreventionGenetics, part of Exact Sciences
Classification: Likely pathogenic for ATM-related condition. Last evaluated: 2025-09-03. Review status: criteria provided, single submitter. Criteria: ACMG Guidelines, 2015. Collection method: clinical testing. Allele origin: germline.
Comment: The ATM c.8585-2A>T variant is predicted to disrupt the AG splice acceptor site and interfere with normal splicing. To our knowledge, this variant has not been reported in the literature or in a large population database (gnomAD), indicating this variant is rare. This variant is classified as likely pathogenic in ClinVar (Variation ID: 3801432). Variants that disrupt the consensus splice donor site in ATM are expected to be pathogenic. This variant is interpreted as likely pathogenic.

Ambry Genetics
Classification: Likely pathogenic for Hereditary cancer-predisposing syndrome. Last evaluated: 2025-01-07. Review status: criteria provided, single submitter. Criteria: Ambry Variant Classification Scheme 2023. Collection method: clinical testing. Allele origin: germline.
Comment: The c.8585-2A>T intronic variant results from an A to T substitution two nucleotides upstream from coding exon 58 in the ATM gene. This nucleotide position is highly conserved in available vertebrate species. In silico splice site analysis predicts that this alteration will weaken the native splice acceptor site and may result in the creation or strengthening of a novel splice acceptor site. RNA studies have demonstrated that this alteration results in abnormal splicing in the set of samples tested (Ambry internal data). This variant is considered to be rare based on population cohorts in the Genome Aggregation Database (gnomAD). Based on the majority of available evidence to date, this variant is likely to be pathogenic.

NM_000051.4(ATM):c.8585-2A>T

Genes: ATM (ATM serine/threonine kinase; plus strand), C11orf65 (chromosome 11 open reading frame 65; minus strand). Cytogenetic location: 11q22.3.
Variant type: single nucleotide variant.
Coding change: c.8585-2A>T on transcript NM_000051.4 (MANE Select); the canonical splice acceptor site of the intron before coding-DNA position 8585, A replaced by T.
Molecular consequence: splice acceptor variant. On other transcripts: intron variant (2).
Genome position (GRCh38, 1-based): chr11:108,347,277, A>T. VCF-style: chr11-108347277-A-T. GRCh37 (hg19) VCF-style: chr11-108218004-A-T.
Other names: c.8585-2A>T (NM_001351834.2); c.641-38206T>A (NM_001330368.2); c.695-11985T>A (NM_001351110.2).
Identifiers: ClinVar variation 3801432 (VCV003801432.2).